The following is an entry in ClinVar:

NM_000069.3(CACNA1S):c.4348G>A (p.Gly1450Ser)

Gene: CACNA1S (calcium voltage-gated channel subunit alpha1 S; minus strand). Cytogenetic location: 1q32.1.
Variant type: single nucleotide variant.
Coding change: c.4348G>A on transcript NM_000069.3 (MANE Select); coding-DNA position 4348, G replaced by A.
Protein change: p.Gly1450Ser; replaces glycine 1450 with serine.
Molecular consequence: missense variant.
Genome position (GRCh38, 1-based): chr1:201,048,675, C>T on the plus strand (G>A on the coding strand, the complement: CACNA1S is on the minus strand). VCF-style: chr1-201048675-C-T. GRCh37 (hg19) VCF-style: chr1-201017803-C-T.
Other names: short protein forms G1450S.
Identifiers: ClinVar variation 841879 (VCV000841879.11), dbSNP rs753557812, ClinGen allele CA083259.

ClinVar aggregate classification (germline): Uncertain significance. Review status: criteria provided, multiple submitters, no conflicts (2 of 4 stars). 3 submissions from 3 submitters: Uncertain significance (3). Last evaluated 2025-07-28.

Conditions:
Hypokalemic periodic paralysis, type 1. Also called: Hypokalemic Periodic Paralysis Type 1 (AD); HypoPP. Identifiers: Orphanet 681, MedGen C3714580, MONDO:0042979, OMIM 170400.
Malignant hyperthermia, susceptibility to, 5 (MHS5). Also called: CACNA1S-Related Malignant Hyperthermia Susceptibility. Identifiers: Orphanet 423, MedGen C1866077, MONDO:0011163, OMIM 601887.

Allele frequency attached by ClinVar (database versions not stated): gnomAD exomes below 0.00001 and 0.00001; TOPMed below 0.00001; ExAC 0.00001; gnomAD 0.00001.
gnomAD v4.1: 13 of 1,613,098 alleles (0.00081%); highest among the groups gnomAD compares: African/African-American, 0.0013%; no homozygotes.

Submissions (3):

Color Diagnostics, LLC DBA Color Health
Classification: Uncertain significance for Malignant hyperthermia, susceptibility to, 5. Last evaluated: 2025-07-28. Review status: criteria provided, single submitter. Criteria: ACMG Guidelines, 2015. Collection method: clinical testing. Allele origin: germline.
Comment: This missense variant replaces glycine with serine at codon 1450 of the CACNA1S protein. Computational prediction suggests that this variant may not impact protein structure and function. To our knowledge, functional studies have not been reported for this variant. This variant has not been reported in individuals affected with CACNA1S-related disorders in the literature. This variant has been identified in 1/249814 chromosomes in the general population by the Genome Aggregation Database (gnomAD). The available evidence is insufficient to determine the role of this variant in disease conclusively. Therefore, this variant is classified as a Variant of Uncertain Significance.

Labcorp Genetics (formerly Invitae), Labcorp
Classification: Uncertain significance for Hypokalemic periodic paralysis, type 1; Malignant hyperthermia, susceptibility to, 5. Last evaluated: 2024-02-29. Review status: criteria provided, single submitter. Criteria: Invitae Variant Classification Sherloc (09022015). Collection method: clinical testing. Allele origin: germline.
Comment: This sequence change replaces glycine, which is neutral and non-polar, with serine, which is neutral and polar, at codon 1450 of the CACNA1S protein (p.Gly1450Ser). This variant is present in population databases (rs753557812, gnomAD 0.002%). This variant has not been reported in the literature in individuals affected with CACNA1S-related conditions. ClinVar contains an entry for this variant (Variation ID: 841879). Advanced modeling of protein sequence and biophysical properties (such as structural, functional, and spatial information, amino acid conservation, physicochemical variation, residue mobility, and thermodynamic stability) performed at Invitae indicates that this missense variant is not expected to disrupt CACNA1S protein function with a negative predictive value of 80%. In summary, the available evidence is currently insufficient to determine the role of this variant in disease. Therefore, it has been classified as a Variant of Uncertain Significance.

All of Us Research Program, National Institutes of Health
Classification: Uncertain significance for Malignant hyperthermia, susceptibility to, 5. Last evaluated: 2023-05-16. Review status: criteria provided, single submitter. Criteria: ACMG Guidelines, 2015. Collection method: clinical testing. Allele origin: germline. Inheritance: Autosomal dominant inheritance. Observed: 1 variant allele, 1 heterozygote.
Comment: This missense variant replaces glycine with serine at codon 1450 of the CACNA1S protein. Computational prediction suggests that this variant may not impact protein structure and function (internally defined REVEL score threshold <= 0.5, PMID: 27666373). To our knowledge, functional studies have not been reported for this variant. This variant has not been reported in individuals affected with CACNA1S-related disorders in the literature. This variant has been identified in 1/249814 chromosomes in the general population by the Genome Aggregation Database (gnomAD). The available evidence is insufficient to determine the role of this variant in disease conclusively. Therefore, this variant is classified as a Variant of Uncertain Significance.

This study involves interpretation of variants in research participants for the purpose of population health screening. Participant phenotype was not available at the time of variant classification. Additional details can be found in publication PMID: 35346344, PMCID: PMC8962531